The following is an entry in ClinVar:

ClinVar aggregate classification (germline): Conflicting classifications of pathogenicity. Review status: criteria provided, conflicting classifications (1 of 4 stars). 4 submissions from 4 submitters: Uncertain significance (1); Likely benign (2). 1 of the submissions does not count toward it. Last evaluated 2026-01-06.

Conditions:
ATR-related disorder. Also called: ATR-related condition.
Inborn genetic diseases. Identifiers: MedGen C0950123, MeSH D030342.

Allele frequency attached by ClinVar (database versions not stated): gnomAD exomes 0.00005 and 0.00019; ExAC 0.00032; gnomAD 0.00081 and 0.00090; TOPMed 0.00098; ESP Exome Variant Server 0.00108.
gnomAD v4.1: 204 of 1,613,072 alleles (0.013%); highest among the groups gnomAD compares: African/African-American, 0.25%; no homozygotes.

Submissions (4):

Labcorp Genetics (formerly Invitae), Labcorp
Classification: Likely benign. Last evaluated: 2026-01-06. Review status: criteria provided, single submitter. Criteria: Invitae Variant Classification Sherloc (09022015). Collection method: clinical testing. Allele origin: germline.

Blueprint Genetics
Classification: Uncertain significance. Last evaluated: 2023-09-22. Review status: criteria provided, single submitter. Criteria: ACMG Guidelines, 2015. Collection method: clinical testing. Allele origin: germline.

Ambry Genetics
Classification: Likely benign for Inborn genetic diseases. Last evaluated: 2022-11-03. Review status: criteria provided, single submitter. Criteria: Ambry Variant Classification Scheme 2023. Collection method: clinical testing. Allele origin: germline.

PreventionGenetics, part of Exact Sciences
Classification: Likely benign for ATR-related condition. Last evaluated: 2023-01-09. Review status: no assertion criteria provided. Collection method: clinical testing. Allele origin: germline. Not counted in ClinVar's aggregate classification.
Comment: This variant is classified as likely benign based on ACMG/AMP sequence variant interpretation guidelines (Richards et al. 2015 PMID: 25741868, with internal and published modifications).

NM_001184.4(ATR):c.3433A>G (p.Ile1145Val)

Gene: ATR (ATR checkpoint kinase; minus strand). Cytogenetic location: 3q23.
Variant type: single nucleotide variant.
Coding change: c.3433A>G on transcript NM_001184.4 (MANE Select); coding-DNA position 3433, A replaced by G.
Protein change: p.Ile1145Val; replaces isoleucine 1145 with valine.
Molecular consequence: missense variant.
Genome position (GRCh38, 1-based): chr3:142,542,682, T>C on the plus strand (A>G on the coding strand, the complement: ATR is on the minus strand). VCF-style: chr3-142542682-T-C. GRCh37 (hg19) VCF-style: chr3-142261524-T-C.
Other names: c.3241A>G, p.Ile1081Val (NM_001354579.2); short protein forms I1145V, I1081V.
Identifiers: ClinVar variation 696343 (VCV000696343.15), dbSNP rs145853128, ClinGen allele CA2650117.